The following is an entry in ClinVar:

ClinVar aggregate classification (germline): Benign/Likely benign. Review status: criteria provided, multiple submitters, no conflicts (2 of 4 stars). 4 submissions from 4 submitters: Benign (2); Likely benign (1). 1 of the submissions does not count toward it. Last evaluated 2025-05-13.

Conditions:
CALR3-related disorder. Also called: CALR3-related condition.
Hypertrophic cardiomyopathy 19. Also called: Familial hypertrophic cardiomyopathy 19. Identifiers: MedGen CN077603, MONDO:0013476.

Allele frequency attached by ClinVar (database versions not stated): gnomAD below 0.00001 and 0.00003; TOPMed 0.00001; gnomAD exomes 0.00005 and 0.00015; ExAC 0.00019; 1000 Genomes Project 30x 0.00062; 1000 Genomes Project 0.00080.
gnomAD v4.1: 82 of 1,612,050 alleles (0.0051%); highest among the groups gnomAD compares: South Asian, 0.087%; no homozygotes.

Submissions (4):

Labcorp Genetics (formerly Invitae), Labcorp
Classification: Benign for Hypertrophic cardiomyopathy 19. Last evaluated: 2025-05-13. Review status: criteria provided, single submitter. Criteria: Invitae Variant Classification Sherloc (09022015). Collection method: clinical testing. Allele origin: germline.

Blueprint Genetics
Classification: Likely benign. Last evaluated: 2023-09-18. Review status: criteria provided, single submitter. Criteria: ACMG Guidelines, 2015. Collection method: clinical testing. Allele origin: germline.

Women's Health and Genetics/Laboratory Corporation of America, LabCorp
Classification: Benign. Last evaluated: 2023-08-19. Review status: criteria provided, single submitter. Criteria: LabCorp Variant Classification Summary - May 2015. Collection method: clinical testing. Allele origin: germline.

PreventionGenetics, part of Exact Sciences
Classification: Likely benign for CALR3-related condition. Last evaluated: 2019-07-13. Review status: no assertion criteria provided. Collection method: clinical testing. Allele origin: germline. Not counted in ClinVar's aggregate classification.
Comment: This variant is classified as likely benign based on ACMG/AMP sequence variant interpretation guidelines (Richards et al. 2015 PMID: 25741868, with internal and published modifications).

NM_145046.5(CALR3):c.493-6A>G

Gene: CALR3 (calreticulin 3; minus strand). Cytogenetic location: 19p13.11.
Variant type: single nucleotide variant.
Coding change: c.493-6A>G on transcript NM_145046.5 (MANE Select); 6 bases into the intron before coding-DNA position 493, A replaced by G.
Molecular consequence: intron variant.
Genome position (GRCh38, 1-based): chr19:16,484,121, T>C on the plus strand (A>G on the coding strand, the complement: CALR3 is on the minus strand). VCF-style: chr19-16484121-T-C. GRCh37 (hg19) VCF-style: chr19-16594932-T-C.
Identifiers: ClinVar variation 471789 (VCV000471789.12), dbSNP rs566199743, ClinGen allele CA9278361.